The following is an entry in ClinVar:

ClinVar aggregate classification (germline): Uncertain significance (1 of 4 stars; one submission).

Conditions:
Hereditary cancer-predisposing syndrome. Also called: Neoplastic Syndromes, Hereditary; Tumor predisposition; Hereditary Cancer Syndrome; Hereditary neoplastic syndrome. Identifiers: Orphanet 140162, MedGen C0027672, MeSH D009386, MONDO:0015356.

Submission:

Ambry Genetics
Classification: Uncertain significance for Hereditary cancer-predisposing syndrome. Last evaluated: 2026-05-14. Review status: criteria provided, single submitter. Criteria: Ambry Variant Classification Scheme 2023. Collection method: clinical testing. Allele origin: germline.
Comment: The p.P1021L variant (also known as c.3062C>T), located in coding exon 19 of the BRIP1 gene, results from a C to T substitution at nucleotide position 3062. The proline at codon 1021 is replaced by leucine, an amino acid with similar properties. This amino acid position is conserved. In addition, the in silico prediction for this alteration is inconclusive. Based on the available evidence, the clinical significance of this variant remains unclear.

NM_032043.3(BRIP1):c.3062C>T (p.Pro1021Leu)

Gene: BRIP1 (BRCA1 interacting DNA helicase 1; minus strand). Cytogenetic location: 17q23.2.
Variant type: single nucleotide variant.
Coding change: c.3062C>T on transcript NM_032043.3 (MANE Select); coding-DNA position 3062, C replaced by T.
Protein change: p.Pro1021Leu; replaces proline 1021 with leucine.
Molecular consequence: missense variant.
Genome position (GRCh38, 1-based): chr17:61,683,984, G>A on the plus strand (C>T on the coding strand, the complement: BRIP1 is on the minus strand). VCF-style: chr17-61683984-G-A. GRCh37 (hg19) VCF-style: chr17-59761345-G-A.
Other names: short protein forms P1021L.
Identifiers: ClinVar variation 4867929 (VCV004867929.1).